The following is an entry in ClinVar:

NM_000051.4(ATM):c.8762C>T (p.Thr2921Met)

Genes: ATM (ATM serine/threonine kinase; plus strand), C11orf65 (chromosome 11 open reading frame 65; minus strand). Cytogenetic location: 11q22.3.
Variant type: single nucleotide variant.
Coding change: c.8762C>T on transcript NM_000051.4 (MANE Select); coding-DNA position 8762, C replaced by T.
Protein change: p.Thr2921Met; replaces threonine 2921 with methionine.
Molecular consequence: missense variant. On other transcripts: intron variant (2).
Genome position (GRCh38, 1-based): chr11:108,353,856, C>T. VCF-style: chr11-108353856-C-T. GRCh37 (hg19) VCF-style: chr11-108224583-C-T.
Other names: c.8762C>T, p.Thr2921Met (NM_001351834.2); c.640+32064G>A (NM_001330368.2); c.695-18564G>A (NM_001351110.2); short protein forms T2921M.
Identifiers: ClinVar variation 421949 (VCV000421949.83), dbSNP rs730881329, ClinGen allele CA6266435.

ClinVar aggregate classification (germline): Uncertain significance. Review status: criteria provided, multiple submitters, no conflicts (2 of 4 stars). 12 submissions from 12 submitters: Uncertain significance (9). 3 of the submissions do not count toward it. Last evaluated 2026-08-16.

Conditions:
ATM-related disorder. Also called: ATM-related disorders; ATM-related condition.
Hereditary cancer-predisposing syndrome. Also called: Neoplastic Syndromes, Hereditary; Hereditary Cancer Syndrome; Tumor predisposition; Hereditary neoplastic syndrome. Identifiers: Orphanet 140162, MedGen C0027672, MeSH D009386, MONDO:0015356.
Familial cancer of breast. Also called: Hereditary breast cancer; BREAST CANCER, FAMILIAL; hereditary breast carcinoma. Identifiers: Orphanet 227535, MedGen C0346153, MONDO:0016419, OMIM 114480. Disease mechanism: loss of function.
Ataxia-telangiectasia syndrome (AT). Also called: LOUIS-BAR SYNDROME; Cerebello-oculocutaneous telangiectasia; Immunodeficiency with ataxia telangiectasia; Ataxia-telangiectasia, complementation group D; AT, COMPLEMENTATION GROUP C; Ataxia-telangiectasia, complementation group E. Identifiers: Orphanet 100, MedGen C0004135, MONDO:0008840, OMIM 208900.

Allele frequency attached by ClinVar (database versions not stated): ExAC 0.00002; gnomAD 0.00001; gnomAD exomes 0.00002.
gnomAD v4.1: 25 of 1,613,474 alleles (0.0015%); highest among the groups gnomAD compares: Non-Finnish European, 0.0019%; no homozygotes.

Submissions (12):

PreventionGenetics, part of Exact Sciences
Classification: Uncertain significance for ATM-related condition. Last evaluated: 2026-08-16. Review status: criteria provided, single submitter. Criteria: ACMG Guidelines, 2015. Collection method: clinical testing. Allele origin: germline.
Comment: The ATM c.8762C>T variant is predicted to result in the amino acid substitution p.Thr2921Met. This variant has been reported in individuals with breast cancer and in controls (Sup. Data 1, Momozawa et al. 2018. PubMed ID: 30287823; Breast Cancer Association Consortium et al. 2021. PubMed ID: 33471991). This variant is reported in 0.0054% of alleles in individuals of East Asian descent in gnomAD. It is interpreted as uncertain significance in ClinVar (Variation ID: 421949). At this time, the clinical significance of this variant is uncertain due to the absence of conclusive functional and genetic evidence.

Labcorp Genetics (formerly Invitae), Labcorp
Classification: Uncertain significance for Ataxia-telangiectasia syndrome. Last evaluated: 2025-12-28. Review status: criteria provided, single submitter. Criteria: Invitae Variant Classification Sherloc (09022015). Collection method: clinical testing. Allele origin: germline.
Comment: This sequence change replaces threonine, which is neutral and polar, with methionine, which is neutral and non-polar, at codon 2921 of the ATM protein (p.Thr2921Met). This variant is present in population databases (rs730881329, gnomAD 0.006%). This missense change has been observed in individual(s) with breast cancer (PMID: 30287823). ClinVar contains an entry for this variant (Variation ID: 421949). Invitae Evidence Modeling of protein sequence and biophysical properties (such as structural, functional, and spatial information, amino acid conservation, physicochemical variation, residue mobility, and thermodynamic stability) indicates that this missense variant is expected to disrupt ATM protein function with a positive predictive value of 80%. In summary, the available evidence is currently insufficient to determine the role of this variant in disease. Therefore, it has been classified as a Variant of Uncertain Significance.

Color Diagnostics, LLC DBA Color Health
Classification: Uncertain significance for Hereditary cancer-predisposing syndrome. Last evaluated: 2025-07-28. Review status: criteria provided, single submitter. Criteria: ACMG Guidelines, 2015. Collection method: clinical testing. Allele origin: germline.
Comment: This missense variant replaces threonine with methionine at codon 2921 of the ATM protein. Computational prediction suggests that this variant may have deleterious impact on protein structure and function. To our knowledge, functional studies have not been reported for this variant. This variant has been reported in an individual affected with breast cancer (PMID: 30287823), an individual affected with hereditary breast cancer and/or ovarian cancer (DOI: 10.5505/aot.2022.82246), as well as in a woman older than age 70 years with no personal history of cancer (FLOSSIES). In addition, this variant has been detected in a breast cancer case-control meta-analysis in 1/60466 cases and 3/53461 controls (PMID: 33471991). This variant has been identified in 5/251444 chromosomes in the general population by the Genome Aggregation Database (gnomAD). The available evidence is insufficient to determine the role of this variant in disease conclusively. Therefore, this variant is classified as a Variant of Uncertain Significance.

Ambry Genetics
Classification: Uncertain significance for Hereditary cancer-predisposing syndrome. Last evaluated: 2025-06-24. Review status: criteria provided, single submitter. Criteria: Ambry Variant Classification Scheme 2023. Collection method: clinical testing. Allele origin: germline.
Comment: The p.T2921M variant (also known as c.8762C>T), located in coding exon 59 of the ATM gene, results from a C to T substitution at nucleotide position 8762. The threonine at codon 2921 is replaced by methionine, an amino acid with similar properties. This alteration has been previously identified in a compound heterozygous state with ATM p.C353R (c.1057T>C) in 2 patients from a Saudi Arabian family presenting with mild features of ataxia telangiectasia (Al-Muhaizea MA et al. Ann Hum Genet 2022 Jan;86(1):34-44). This amino acid position is highly conserved in available vertebrate species. In addition, this alteration is predicted to be deleterious by in silico analysis. Based on the available evidence, the clinical significance of this variant remains unclear.

GeneDx
Classification: Uncertain significance. Last evaluated: 2024-09-16. Review status: criteria provided, single submitter. Criteria: GeneDx Variant Classification Process June 2021. Collection method: clinical testing. Allele origin: germline. Affected: yes.
Comment: In silico analysis, which includes protein predictors and evolutionary conservation, supports a deleterious effect; Not observed at significant frequency in large population cohorts (gnomAD); This variant is associated with the following publications: (PMID: 27882345, 30287823, 32466217, 27071721, 26224873, 28652578, elebi2022[article], 36243179, 33471991, 23532176)

KCCC/NGS Laboratory, Kuwait Cancer Control Center
Classification: Uncertain significance for Familial cancer of breast. Last evaluated: 2024-01-31. Review status: criteria provided, single submitter. Criteria: ACMG Guidelines, 2015. Collection method: clinical testing. Allele origin: germline. Inheritance: Autosomal dominant inheritance. Affected: yes. Observed: 1 heterozygote.
Comment: This sequence change replaces threonine, which is neutral and polar, with methionine, which is neutral and non-polar, at codon 2921 of the ATM protein (p.Thr2921Met). This variant is present in population databases (rs730881329, gnomAD 0.006%). This missense change has been observed in individual(s) with breast cancer (PMID: 27882345, 30287823, 32466217, 27071721, 26224873, 28652578, 23532176, elebi2022[article], 36243179). ClinVar contains an entry for this variant (Variation ID: 421949). In silico analysis, which includes protein predictors and evolutionary conservation, supports a deleterious effect. In summary, the available evidence is currently insufficient to determine the role of this variant in disease. Therefore, it has been classified as a Variant of Uncertain Significance. Pathogenic/likely pathogenic mutations in the ATM gene cause susceptibility to breast cancer (OMIM# 114480).

St. Jude Molecular Pathology, St. Jude Children's Research Hospital
Classification: Uncertain significance for Ataxia-telangiectasia syndrome. Last evaluated: 2022-05-05. Review status: criteria provided, single submitter. Criteria: St. Jude Assertion Criteria 2020. Collection method: clinical testing. Allele origin: germline.
Comment: The ATM c.8762C>T (p.Thr2921Met) missense change has a maximum subpopulation frequency of 0.0054% in gnomAD v2.1.1. The in silico tool REVEL is inconclusive about effect of this variant on protein function, and to our knowledge functional assays have not been performed. This variant has been reported in an individual with breast cancer (PMID: 30287823), as well as in a woman older than age 70 years with no personal history of cancer (FLOSSIES). To our knowledge, this variant has not been reported in individuals with ataxia telangiectasia. In summary, this variant meets criteria to be classified as of uncertain significance based on the ACMG/AMP criteria, as specified by the ClinGen Hereditary Breast, Ovarian and Pancreatic Cancer Variant Curation Expert Panel: no criteria met.

CeGaT Center for Human Genetics Tuebingen
Classification: Uncertain significance. Last evaluated: 2020-11-01. Review status: criteria provided, single submitter. Criteria: CeGaT Center For Human Genetics Tuebingen Variant Classification Criteria Version 2. Collection method: clinical testing. Allele origin: germline. Affected: yes. Observed: 1 variant allele.

Illumina Laboratory Services, Illumina
Classification: Uncertain significance for Ataxia-telangiectasia syndrome. Last evaluated: 2018-01-13. Review status: criteria provided, single submitter. Criteria: ICSL Variant Classification Criteria 13 December 2019. Collection method: clinical testing. Allele origin: germline.

Natera, Inc.
Classification: Uncertain significance for Ataxia-telangiectasia. Last evaluated: 2020-10-21. Review status: no assertion criteria provided. Collection method: clinical testing. Allele origin: germline. Not counted in ClinVar's aggregate classification.

Diagnostic Laboratory, Department of Genetics, University Medical Center Groningen
Classification: Uncertain significance. Review status: no assertion criteria provided. Collection method: clinical testing. Allele origin: germline. Affected: yes. Study: VKGL Data-share Consensus. Not counted in ClinVar's aggregate classification.

Genome Diagnostics Laboratory, Amsterdam University Medical Center
Classification: Uncertain significance. Review status: no assertion criteria provided. Collection method: clinical testing. Allele origin: germline. Affected: yes. Study: VKGL Data-share Consensus. Not counted in ClinVar's aggregate classification.

Literature cited by the submitters: PubMed 30287823 (cited by 3 submitters); PubMed 33471991 (cited by Color Diagnostics, LLC DBA Color Health).